The following is an entry in ClinVar:

ClinVar aggregate classification (germline): Likely pathogenic. Review status: criteria provided, multiple submitters, no conflicts (2 of 4 stars). 2 submissions from 2 submitters: Likely pathogenic (2). Last evaluated 2023-12-30.

Conditions:
Autosomal recessive Parkinson disease 14. Also called: DYSTONIA-PARKINSONISM, ADULT-ONSET; PARKINSON DISEASE 14. Identifiers: Orphanet 199351, MedGen C2751842, MONDO:0013060, OMIM 612953.
Infantile neuroaxonal dystrophy (NBIA2A). Also called: NEURODEGENERATION WITH BRAIN IRON ACCUMULATION 2A; SEITELBERGER DISEASE; Infantile neuroaxonal dystrophy 1. Identifiers: Orphanet 35069, MedGen C0270724, MONDO:0024457, OMIM 256600.
Neurodegeneration with brain iron accumulation 2B. Also called: NEUROAXONAL DYSTROPHY, ATYPICAL; NEURODEGENERATION WITH BRAIN IRON ACCUMULATION, PLA2G6-RELATED; aNAD; atypical Neuroaxonal Dystrophy (aNAD). Identifiers: Orphanet 35069, MedGen C1857747, MONDO:0012444, OMIM 610217.

Allele frequency attached by ClinVar (database versions not stated): gnomAD 0.00001; gnomAD exomes below 0.00001; TOPMed 0.00001.
gnomAD v4.1: 4 of 1,610,128 alleles (0.00025%); highest among the groups gnomAD compares: Non-Finnish European, 0.00034%; no homozygotes.

Submissions (2):

Fulgent Genetics
Classification: Likely pathogenic for Infantile neuroaxonal dystrophy; Neurodegeneration with brain iron accumulation 2B; Autosomal recessive Parkinson disease 14. Last evaluated: 2023-12-30. Review status: criteria provided, single submitter. Criteria: ACMG Guidelines, 2015. Collection method: clinical testing. Allele origin: germline.

Labcorp Genetics (formerly Invitae), Labcorp
Classification: Likely pathogenic for Infantile neuroaxonal dystrophy. Last evaluated: 2023-06-09. Review status: criteria provided, single submitter. Criteria: Invitae Variant Classification Sherloc (09022015). Collection method: clinical testing. Allele origin: germline.
Comment: This sequence change affects an acceptor splice site in intron 7 of the PLA2G6 gene. It is expected to disrupt RNA splicing. Variants that disrupt the donor or acceptor splice site typically lead to a loss of protein function (PMID: 16199547), and loss-of-function variants in PLA2G6 are known to be pathogenic (PMID: 16783378, 18570303, 18799783, 22213678). In summary, the currently available evidence indicates that the variant is pathogenic, but additional data are needed to prove that conclusively. Therefore, this variant has been classified as Likely Pathogenic. Algorithms developed to predict the effect of sequence changes on RNA splicing suggest that this variant may disrupt the consensus splice site. This variant has not been reported in the literature in individuals affected with PLA2G6-related conditions. This variant is not present in population databases (gnomAD no frequency).

Literature cited by the submitters: PubMed 16199547 (cited by Labcorp Genetics (formerly Invitae), Labcorp); PubMed 16783378 (cited by Labcorp Genetics (formerly Invitae), Labcorp); PubMed 18570303 (cited by Labcorp Genetics (formerly Invitae), Labcorp); PubMed 18799783 (cited by Labcorp Genetics (formerly Invitae), Labcorp); PubMed 22213678 (cited by Labcorp Genetics (formerly Invitae), Labcorp).

NM_003560.4(PLA2G6):c.1078-1G>A

Gene: PLA2G6 (phospholipase A2 group VI; minus strand). Cytogenetic location: 22q13.1.
Variant type: single nucleotide variant.
Coding change: c.1078-1G>A on transcript NM_003560.4 (MANE Select); the canonical splice acceptor site of the intron before coding-DNA position 1078, G replaced by A.
Molecular consequence: splice acceptor variant.
Genome position (GRCh38, 1-based): chr22:38,129,563, C>T on the plus strand (G>A on the coding strand, the complement: PLA2G6 is on the minus strand). VCF-style: chr22-38129563-C-T. GRCh37 (hg19) VCF-style: chr22-38525570-C-T.
Other names: c.400-1G>A (NM_001349868.2); c.1078-1G>A (NM_001349866.2, NM_001199562.3, NM_001349865.2 and 2 more transcripts); c.544-1G>A (NM_001349869.2, NM_001349867.2).
Identifiers: ClinVar variation 2898635 (VCV002898635.4), dbSNP rs2088081974, ClinGen allele CA411530596.